The following is an entry in ClinVar:

NM_015559.3(SETBP1):c.3034G>C (p.Asp1012His)

Gene: SETBP1 (SET binding protein 1; plus strand). Cytogenetic location: 18q12.3.
Variant type: single nucleotide variant.
Coding change: c.3034G>C on transcript NM_015559.3 (MANE Select); coding-DNA position 3034, G replaced by C.
Protein change: p.Asp1012His; replaces aspartic acid 1012 with histidine.
Molecular consequence: missense variant.
Genome position (GRCh38, 1-based): chr18:44,952,374, G>C. VCF-style: chr18-44952374-G-C. GRCh37 (hg19) VCF-style: chr18-42532339-G-C.
Other names: c.3034G>C, p.Asp1012His (NM_001379141.1, NM_001379142.1, NM_001410862.1); short protein forms D1012H.
Identifiers: ClinVar variation 2078884 (VCV002078884.4), dbSNP rs2511474261, ClinGen allele CA402323026.

ClinVar aggregate classification (germline): Uncertain significance (1 of 4 stars; one submission).

Submission:

Labcorp Genetics (formerly Invitae), Labcorp
Classification: Uncertain significance. Last evaluated: 2023-07-07. Review status: criteria provided, single submitter. Criteria: Invitae Variant Classification Sherloc (09022015). Collection method: clinical testing. Allele origin: germline.
Comment: This sequence change replaces aspartic acid, which is acidic and polar, with histidine, which is basic and polar, at codon 1012 of the SETBP1 protein (p.Asp1012His). This variant is not present in population databases (gnomAD no frequency). This variant has not been reported in the literature in individuals affected with SETBP1-related conditions. ClinVar contains an entry for this variant (Variation ID: 2078884). Advanced modeling of protein sequence and biophysical properties (such as structural, functional, and spatial information, amino acid conservation, physicochemical variation, residue mobility, and thermodynamic stability) performed at Invitae indicates that this missense variant is expected to disrupt SETBP1 protein function. In summary, the available evidence is currently insufficient to determine the role of this variant in disease. Therefore, it has been classified as a Variant of Uncertain Significance.